The following is an entry in ClinVar:

ClinVar aggregate classification (germline): Benign. Review status: criteria provided, single submitter (1 of 4 stars). 2 submissions from 2 submitters: Benign (1). 1 of the submissions does not count toward it. Last evaluated 2018-06-14.

Allele frequency attached by ClinVar (database versions not stated): 1000 Genomes Project 0.78994; 1000 Genomes Project 30x 0.79888; TOPMed 0.81511; gnomAD 0.82574 and 0.83192.
gnomAD v4.1: 125,580 of 152,058 alleles (83%); highest among the groups gnomAD compares: African/African-American, 93%; 52,365 homozygotes.

Submissions (2):

GeneDx
Classification: Benign. Last evaluated: 2018-06-14. Review status: criteria provided, single submitter. Criteria: GeneDx Variant Classification (06012015). Collection method: clinical testing. Allele origin: germline. Affected: yes.
Comment: This variant is considered likely benign or benign based on one or more of the following criteria: it is a conservative change, it occurs at a poorly conserved position in the protein, it is predicted to be benign by multiple in silico algorithms, and/or has population frequency not consistent with disease.

ANO5 @LOVD
No classification provided. Review status: no classification provided. Collection method: not provided. Allele origin: unknown. Not counted in ClinVar's aggregate classification.

NM_213599.3(ANO5):c.180+223G>A

Gene: ANO5 (anoctamin 5; plus strand). Cytogenetic location: 11p14.3.
Variant type: single nucleotide variant.
Coding change: c.180+223G>A on transcript NM_213599.3 (MANE Select); 223 bases into the intron after coding-DNA position 180, G replaced by A.
Molecular consequence: intron variant.
Genome position (GRCh38, 1-based): chr11:22,218,510, G>A. VCF-style: chr11-22218510-G-A. GRCh37 (hg19) VCF-style: chr11-22240056-G-A.
Other names: c.177+223G>A (NM_001142649.2).
Identifiers: ClinVar variation 140554 (VCV000140554.2), dbSNP rs4620717, ClinGen allele CA232788.